The following is an entry in ClinVar:

NM_005751.5(AKAP9):c.1096A>T (p.Ile366Phe)

Gene: AKAP9 (A-kinase anchoring protein 9; plus strand). Cytogenetic location: 7q21.2.
Variant type: single nucleotide variant.
Coding change: c.1096A>T on transcript NM_005751.5 (MANE Select); coding-DNA position 1096, A replaced by T.
Protein change: p.Ile366Phe; replaces isoleucine 366 with phenylalanine.
Molecular consequence: missense variant.
Genome position (GRCh38, 1-based): chr7:92,001,013, A>T. VCF-style: chr7-92001013-A-T. GRCh37 (hg19) VCF-style: chr7-91630327-A-T.
Other names: c.1096A>T, p.Ile366Phe (NM_147185.3); short protein forms I366F.
Identifiers: ClinVar variation 2449768 (VCV002449768.3), dbSNP rs1165716443, ClinGen allele CA368120999.

ClinVar aggregate classification (germline): Conflicting classifications of pathogenicity. Review status: criteria provided, conflicting classifications (1 of 4 stars). 2 submissions from 2 submitters: Uncertain significance (1); Likely benign (1). Last evaluated 2025-04-27.

Conditions:
Cardiovascular phenotype. Identifiers: MedGen CN230736.
Long QT syndrome (LQTS). Identifiers: MedGen C0023976, MeSH D008133, MONDO:0002442. Disease mechanism: loss of function. Inheritance: Various modes of inheritance.

Allele frequency attached by ClinVar (database versions not stated): TOPMed 0.00001; gnomAD 0.00002.
gnomAD v4.1: 4 of 1,562,470 alleles (0.00026%); highest among the groups gnomAD compares: African/African-American, 0.0041%; no homozygotes.

Submissions (2):

Labcorp Genetics (formerly Invitae), Labcorp
Classification: Uncertain significance for Long QT syndrome. Last evaluated: 2025-04-27. Review status: criteria provided, single submitter. Criteria: Invitae Variant Classification Sherloc (09022015). Collection method: clinical testing. Allele origin: germline.
Comment: This sequence change replaces isoleucine, which is neutral and non-polar, with phenylalanine, which is neutral and non-polar, at codon 366 of the AKAP9 protein (p.Ile366Phe). This variant is not present in population databases (gnomAD no frequency). This variant has not been reported in the literature in individuals affected with AKAP9-related conditions. ClinVar contains an entry for this variant (Variation ID: 2449768). An algorithm developed to predict the effect of missense changes on protein structure and function (PolyPhen-2) suggests that this variant is likely to be tolerated. In summary, the available evidence is currently insufficient to determine the role of this variant in disease. Therefore, it has been classified as a Variant of Uncertain Significance.

Ambry Genetics
Classification: Likely benign for Cardiovascular phenotype. Last evaluated: 2024-02-26. Review status: criteria provided, single submitter. Criteria: Ambry Variant Classification Scheme 2023. Collection method: clinical testing. Allele origin: germline.